The following is an entry in ClinVar:

ClinVar aggregate classification (germline): Uncertain significance. Review status: criteria provided, multiple submitters, no conflicts (2 of 4 stars). 3 submissions from 3 submitters: Uncertain significance (3). Last evaluated 2026-07-13.

Conditions:
Inborn genetic diseases. Identifiers: MedGen C0950123, MeSH D030342.
Glycogen storage disease IXb (GSD9B). Also called: GLYCOGENOSIS OF LIVER AND MUSCLE, AUTOSOMAL RECESSIVE; GSD IXb; PHOSPHORYLASE KINASE DEFICIENCY OF LIVER AND MUSCLE, AUTOSOMAL RECESSIVE. Identifiers: Orphanet 79240, MedGen C0543514, MONDO:0009868, OMIM 261750.

Allele frequency attached by ClinVar (database versions not stated): gnomAD 0.00002; ExAC 0.00001; ESP Exome Variant Server 0.00008; gnomAD exomes below 0.00001; TOPMed 0.00002.
gnomAD v4.1: 11 of 1,613,106 alleles (0.00068%); highest among the groups gnomAD compares: Admixed American, 0.0067%; no homozygotes.

Submissions (3):

Ambry Genetics
Classification: Uncertain significance for Inborn genetic diseases. Last evaluated: 2026-07-13. Review status: criteria provided, single submitter. Criteria: Ambry Variant Classification Scheme 2023. Collection method: clinical testing. Allele origin: germline.

Mayo Clinic Laboratories, Mayo Clinic
Classification: Uncertain significance. Last evaluated: 2024-12-23. Review status: criteria provided, single submitter. Criteria: ACMG Guidelines, 2015. Collection method: clinical testing. Allele origin: germline. Observed: 1 variant allele.
Comment: BP4

Labcorp Genetics (formerly Invitae), Labcorp
Classification: Uncertain significance for Glycogen storage disease IXb. Last evaluated: 2021-12-25. Review status: criteria provided, single submitter. Criteria: Invitae Variant Classification Sherloc (09022015). Collection method: clinical testing. Allele origin: germline.
Comment: This sequence change replaces isoleucine, which is neutral and non-polar, with valine, which is neutral and non-polar, at codon 634 of the PHKB protein (p.Ile634Val). This variant is present in population databases (rs145723243, gnomAD 0.009%). This variant has not been reported in the literature in individuals affected with PHKB-related conditions. Algorithms developed to predict the effect of missense changes on protein structure and function output the following: SIFT: "Tolerated"; PolyPhen-2: "Benign"; Align-GVGD: "Class C0". The valine amino acid residue is found in multiple mammalian species, which suggests that this missense change does not adversely affect protein function. In summary, the available evidence is currently insufficient to determine the role of this variant in disease. Therefore, it has been classified as a Variant of Uncertain Significance.

NM_000293.3(PHKB):c.1900A>G (p.Ile634Val)

Gene: PHKB (phosphorylase kinase regulatory subunit beta; plus strand). Cytogenetic location: 16q12.1.
Variant type: single nucleotide variant.
Coding change: c.1900A>G on transcript NM_000293.3 (MANE Select); coding-DNA position 1900, A replaced by G.
Protein change: p.Ile634Val; replaces isoleucine 634 with valine.
Molecular consequence: missense variant.
Genome position (GRCh38, 1-based): chr16:47,650,850, A>G. VCF-style: chr16-47650850-A-G. GRCh37 (hg19) VCF-style: chr16-47684761-A-G.
Other names: p.Ile634Val; c.1879A>G, p.Ile627Val (NM_001031835.3); c.1900A>G, p.Ile634Val (NM_001363837.1); c.1900A>G (NM_000293.2); short protein forms I627V, I634V.
Identifiers: ClinVar variation 2173563 (VCV002173563.3), dbSNP rs145723243, ClinGen allele CA8041009.